The following is an entry in ClinVar:

NM_000380.4(XPA):c.642_645dup (p.Gln216fs)

Gene: XPA (XPA, DNA damage recognition and repair factor; minus strand). Cytogenetic location: 9q22.33.
Variant type: Duplication.
Coding change: c.642_645dup on transcript NM_000380.4 (MANE Select); coding-DNA positions 642 to 645, 4 bases duplicated (GAAA; older notation c.642_645dupGAAA).
Protein change: p.Gln216fs; shifts the reading frame from glutamine 216.
Molecular consequence: frameshift variant. On other transcripts: non-coding transcript variant (5).
Genome position (GRCh38, 1-based): chr9:97,684,951-97,684,954, TTTC duplicated on the plus strand (GAAA on the coding strand, the reverse complement: XPA is on the minus strand). VCF-style (leftmost placement, unchanged base first): chr9-97684950-G-GTTTC. GRCh37 (hg19) VCF-style: chr9-100447232-G-GTTTC.
Other names: c.642_645dupGAAA (NM_000380.3); c.516_519dup, p.Gln174fs (NM_001354975.2); short protein forms Q216fs, Q174fs.
Identifiers: ClinVar variation 557894 (VCV000557894.8), dbSNP rs764582394, ClinGen allele CA5148771.

ClinVar aggregate classification (germline): Pathogenic/Likely pathogenic. Review status: criteria provided, multiple submitters, no conflicts (2 of 4 stars). 3 submissions from 3 submitters: Pathogenic (1); Likely pathogenic (1). 1 of the submissions does not count toward it. Last evaluated 2023-12-10.

Conditions:
Xeroderma pigmentosum group A (XPA). Also called: Xeroderma pigmentosum, complementation group A; XP, group A; XPA-Related Xeroderma Pigmentosum. Identifiers: Orphanet 910, MedGen C0268135, MONDO:0010210, OMIM 278700.

Allele frequency attached by ClinVar (database versions not stated): gnomAD exomes below 0.00001 and 0.00001; ExAC 0.00001.

Submissions (3):

Labcorp Genetics (formerly Invitae), Labcorp
Classification: Pathogenic. Last evaluated: 2023-12-10. Review status: criteria provided, single submitter. Criteria: Invitae Variant Classification Sherloc (09022015). Collection method: clinical testing. Allele origin: germline.
Comment: This sequence change creates a premature translational stop signal (p.Gln216Glufs*6) in the XPA gene. While this is not anticipated to result in nonsense mediated decay, it is expected to disrupt the last 58 amino acid(s) of the XPA protein. This variant is present in population databases (rs764582394, gnomAD 0.006%). This variant has not been reported in the literature in individuals affected with XPA-related conditions. ClinVar contains an entry for this variant (Variation ID: 557894). This variant disrupts a region of the XPA protein in which other variant(s) (p.Arg258Tyrfs*5) have been determined to be pathogenic (PMID: 31478152). This suggests that this is a clinically significant region of the protein, and that variants that disrupt it are likely to be disease-causing. For these reasons, this variant has been classified as Pathogenic.

Baylor Genetics
Classification: Likely pathogenic for Xeroderma pigmentosum group A. Last evaluated: 2023-07-14. Review status: criteria provided, single submitter. Criteria: ACMG Guidelines, 2015. Collection method: clinical testing. Allele origin: unknown.

Counsyl
Classification: Likely pathogenic for Xeroderma pigmentosum group A. Last evaluated: 2018-04-16. Review status: no assertion criteria provided. Collection method: clinical testing. Allele origin: unknown. Not counted in ClinVar's aggregate classification.

Literature cited by the submitters: PubMed 31478152 (cited by Labcorp Genetics (formerly Invitae), Labcorp).